The following is an entry in ClinVar:

ClinVar aggregate classification (germline): Uncertain significance (1 of 4 stars; one submission).

Allele frequency attached by ClinVar (database versions not stated): TOPMed below 0.00001; gnomAD exomes 0.00001.
gnomAD v4.1: 8 of 1,597,012 alleles (0.0005%); highest among the groups gnomAD compares: Non-Finnish European, 0.00068%; no homozygotes.

Submission:

Labcorp Genetics (formerly Invitae), Labcorp
Classification: Uncertain significance. Last evaluated: 2024-01-04. Review status: criteria provided, single submitter. Criteria: Invitae Variant Classification Sherloc (09022015). Collection method: clinical testing. Allele origin: germline.
Comment: This sequence change replaces glutamic acid, which is acidic and polar, with lysine, which is basic and polar, at codon 655 of the COL2A1 protein (p.Glu655Lys). The frequency data for this variant in the population databases is considered unreliable, as metrics indicate poor data quality at this position in the gnomAD database. This variant has not been reported in the literature in individuals affected with COL2A1-related conditions. ClinVar contains an entry for this variant (Variation ID: 1900924). Advanced modeling of protein sequence and biophysical properties (such as structural, functional, and spatial information, amino acid conservation, physicochemical variation, residue mobility, and thermodynamic stability) has been performed at Invitae for this missense variant, however the output from this modeling did not meet the statistical confidence thresholds required to predict the impact of this variant on COL2A1 protein function. In summary, the available evidence is currently insufficient to determine the role of this variant in disease. Therefore, it has been classified as a Variant of Uncertain Significance.

NM_001844.5(COL2A1):c.1963G>A (p.Glu655Lys)

Gene: COL2A1 (collagen type II alpha 1 chain; minus strand). Cytogenetic location: 12q13.11.
Variant type: single nucleotide variant.
Coding change: c.1963G>A on transcript NM_001844.5 (MANE Select); coding-DNA position 1963, G replaced by A.
Protein change: p.Glu655Lys; replaces glutamic acid 655 with lysine.
Molecular consequence: missense variant.
Genome position (GRCh38, 1-based): chr12:47,983,715, C>T on the plus strand (G>A on the coding strand, the complement: COL2A1 is on the minus strand). VCF-style: chr12-47983715-C-T. GRCh37 (hg19) VCF-style: chr12-48377498-C-T.
Other names: c.1756G>A, p.Glu586Lys (NM_033150.3); short protein forms E586K, E655K.
Identifiers: ClinVar variation 1900924 (VCV001900924.5), dbSNP rs1359971369, ClinGen allele CA384548522.